The following is an entry in ClinVar:

NM_032578.4(MYPN):c.2886T>C (p.Val962=)

Gene: MYPN (myopalladin; plus strand). Cytogenetic location: 10q21.3.
Variant type: single nucleotide variant.
Coding change: c.2886T>C on transcript NM_032578.4 (MANE Select); coding-DNA position 2886, T replaced by C.
Protein change: p.Val962=; no amino-acid change (valine 962 retained).
Molecular consequence: synonymous variant. On other transcripts: non-coding transcript variant (2).
Genome position (GRCh38, 1-based): chr10:68,189,087, T>C. VCF-style: chr10-68189087-T-C. GRCh37 (hg19) VCF-style: chr10-69948844-T-C.
Other names: c.2886T>C, p.Val962= (NM_001256267.2); c.2004T>C, p.Val668= (NM_001256268.2); c.2886C>C (NM_032578.3).
Identifiers: ClinVar variation 31799 (VCV000031799.24), dbSNP rs10733838, ClinGen allele CA215295.

ClinVar aggregate classification (germline): Benign. Review status: criteria provided, multiple submitters, no conflicts (2 of 4 stars). 10 submissions from 9 submitters: Benign (7). 3 of the submissions do not count toward it. Last evaluated 2026-02-04.

Conditions:
MYPN-related myopathy (CMYO24). Also called: Nemaline myopathy 11, autosomal recessive. Identifiers: MedGen C4479186, MONDO:0015023, OMIM 617336.
Dilated cardiomyopathy 1KK (CMD1KK). Identifiers: Orphanet 154, Orphanet 75249, MedGen C3714995, MONDO:0014100, OMIM 615248.

Allele frequency attached by ClinVar (database versions not stated): 1000 Genomes Project 0.98462; TOPMed 0.98343; gnomAD 0.98443 and 0.98565; ExAC 0.99558; gnomAD exomes 0.99848 and 0.99622; ESP Exome Variant Server 0.98547; 1000 Genomes Project 30x 0.98360.

Submissions (10):

Labcorp Genetics (formerly Invitae), Labcorp
Classification: Benign for Dilated cardiomyopathy 1KK. Last evaluated: 2026-02-04. Review status: criteria provided, single submitter. Criteria: Invitae Variant Classification Sherloc (09022015). Collection method: clinical testing. Allele origin: germline.

Blueprint Genetics
Classification: Benign. Last evaluated: 2024-11-27. Review status: criteria provided, single submitter. Criteria: ACMG Guidelines, 2015. Collection method: clinical testing. Allele origin: germline.

Women's Health and Genetics/Laboratory Corporation of America, LabCorp
Classification: Benign. Last evaluated: 2023-04-04. Review status: criteria provided, single submitter. Criteria: LabCorp Variant Classification Summary - May 2015. Collection method: clinical testing. Allele origin: germline.

Genome-Nilou Lab
Classification: Benign for Dilated cardiomyopathy 1KK. Last evaluated: 2021-09-05. Review status: criteria provided, single submitter. Criteria: ACMG Guidelines, 2015. Collection method: clinical testing. Allele origin: germline. Affected: no.

Genome-Nilou Lab
Classification: Benign for MYPN-related myopathy. Last evaluated: 2021-09-05. Review status: criteria provided, single submitter. Criteria: ACMG Guidelines, 2015. Collection method: clinical testing. Allele origin: germline. Affected: no.

Laboratory for Molecular Medicine, Mass General Brigham Personalized Medicine
Classification: Benign. Last evaluated: 2015-01-13. Review status: criteria provided, single submitter. Criteria: LMM Criteria. Collection method: clinical testing. Allele origin: germline. Observed: 584 variant alleles.
Comment: p.Val962Val in exon 14 of MYPN: This variant is not expected to have clinical si gnificance because it does not alter an amino acid residue and is not located wi thin the splice consensus sequence. It has been identified in 4.2% (184/4406) of African American chromosomes from a broad population by the NHLBI Exome Sequenc ing Project (dbSNP rs10733838).

Breakthrough Genomics
Classification: Benign. Review status: criteria provided, single submitter. Criteria: ACMG Guidelines, 2015. Collection method: not provided. Allele origin: germline. Inheritance: Autosomal recessive inheritance. Affected: yes.

Leiden Muscular Dystrophy (MYPN)
No classification provided. Last evaluated: 2012-04-27. Review status: no classification provided. Collection method: curation. Allele origin: germline. Not counted in ClinVar's aggregate classification.

Clinical Genetics, Academic Medical Center
Classification: Benign. Review status: no assertion criteria provided. Collection method: clinical testing. Allele origin: germline. Affected: yes. Study: VKGL Data-share Consensus. Not counted in ClinVar's aggregate classification.

Diagnostic Laboratory, Department of Genetics, University Medical Center Groningen
Classification: Benign. Review status: no assertion criteria provided. Collection method: clinical testing. Allele origin: germline. Affected: yes. Study: VKGL Data-share Consensus. Not counted in ClinVar's aggregate classification.